The following is an entry in ClinVar:

NM_005477.3(HCN4):c.3171A>C (p.Ala1057=)

Gene: HCN4 (hyperpolarization activated cyclic nucleotide gated potassium channel 4; minus strand). Cytogenetic location: 15q24.1.
Variant type: single nucleotide variant.
Coding change: c.3171A>C on transcript NM_005477.3 (MANE Select); coding-DNA position 3171, A replaced by C.
Protein change: p.Ala1057=; no amino-acid change (alanine 1057 retained).
Molecular consequence: synonymous variant.
Genome position (GRCh38, 1-based): chr15:73,322,922, T>G on the plus strand (A>C on the coding strand, the complement: HCN4 is on the minus strand). VCF-style: chr15-73322922-T-G. GRCh37 (hg19) VCF-style: chr15-73615263-T-G.
Identifiers: ClinVar variation 385958 (VCV000385958.4), dbSNP rs1057522384, ClinGen allele CA16607864.

ClinVar aggregate classification (germline): Likely benign. Review status: criteria provided, multiple submitters, no conflicts (2 of 4 stars). 2 submissions from 2 submitters: Likely benign (2). Last evaluated 2023-02-15.

Conditions:
Brugada syndrome 8 (BRGDA8). Identifiers: Orphanet 130, MedGen C2751083, MONDO:0013148, OMIM 613123.

Submissions (2):

Labcorp Genetics (formerly Invitae), Labcorp
Classification: Likely benign for Brugada syndrome 8. Last evaluated: 2023-02-15. Review status: criteria provided, single submitter. Criteria: Invitae Variant Classification Sherloc (09022015). Collection method: clinical testing. Allele origin: germline.

GeneDx
Classification: Likely benign. Last evaluated: 2016-05-12. Review status: criteria provided, single submitter. Criteria: GeneDx Variant Classification (06012015). Collection method: clinical testing. Allele origin: germline. Affected: yes.
Comment: This variant is considered likely benign or benign based on one or more of the following criteria: it is a conservative change, it occurs at a poorly conserved position in the protein, it is predicted to be benign by multiple in silico algorithms, and/or has population frequency not consistent with disease.